The following is an entry in ClinVar:

NM_001029896.2(WDR45):c.726-1G>A

Gene: WDR45 (WD repeat domain 45; minus strand). Cytogenetic location: Xp11.23.
Variant type: single nucleotide variant.
Coding change: c.726-1G>A on transcript NM_001029896.2 (MANE Select); the canonical splice acceptor site of the intron before coding-DNA position 726, G replaced by A.
Molecular consequence: splice acceptor variant.
Genome position (GRCh38, 1-based): chrX:49,075,466, C>T on the plus strand (G>A on the coding strand, the complement: WDR45 is on the minus strand). VCF-style: chrX-49075466-C-T. GRCh37 (hg19) VCF-style: chrX-48933125-C-T.
Other names: c.729-1G>A (NM_007075.4).
Identifiers: ClinVar variation 1803675 (VCV001803675.2), dbSNP rs2520261025, ClinGen allele CA412943241.

ClinVar aggregate classification (germline): Pathogenic. Review status: criteria provided, multiple submitters, no conflicts (2 of 4 stars). 2 submissions from 2 submitters: Pathogenic (2). Last evaluated 2025-07-08.

Conditions:
Neurodegeneration with brain iron accumulation 5 (NBIA5). Also called: STATIC ENCEPHALOPATHY OF CHILDHOOD WITH NEURODEGENERATION IN ADULTHOOD; Beta-propeller protein-associated neurodegeneration. Identifiers: Orphanet 329284, MedGen C3550973, MONDO:0010476, OMIM 300894.

Submissions (2):

3billion
Classification: Pathogenic for Neurodegeneration with brain iron accumulation 5. Last evaluated: 2025-07-08. Review status: criteria provided, single submitter. Criteria: ACMG Guidelines, 2015. Collection method: clinical testing. Allele origin: germline. Affected: yes.
Comment: The variant is not observed in the gnomAD v4.1.0 dataset. Predicted Consequence/Location: Canonical splice site: predicted to alter splicing and result in a loss or disruption of normal protein function. Multiple pathogenic loss-of-function variants are reported downstream of the variant. In silico tools predict the variant to alter splicing and produce an abnormal transcript [SpliceAI: 0.99 (spliceogenicity >=0.2, non-spliceogenicity <0.1)]. The variant has been reported to be associated with WDR45-related disorder (ClinVar ID: VCV001803675 /PMID: 32387008). Therefore, this variant is classified as Pathogenic according to the recommendation of ACMG/AMP guideline.

GeneDx
Classification: Pathogenic. Last evaluated: 2022-12-06. Review status: criteria provided, single submitter. Criteria: GeneDx Variant Classification Process June 2021. Collection method: clinical testing. Allele origin: germline. Affected: yes.
Comment: Canonical splice site variant expected to result in aberrant splicing, although in the absence of functional evidence the actual effect of this sequence change is unknown; A different splicing variant at this same canonical splice site (c.729-2 A>G) has been reported in the Human Gene Mutation Database (Stenson et al., 2014); Not observed at significant frequency in large population cohorts (gnomAD); This variant is associated with the following publications: (PMID: 35878504, 32387008)

Literature cited by the submitters: PubMed 32387008 (cited by 3billion).